The following is an entry in ClinVar:

ClinVar aggregate classification (germline): Pathogenic (1 of 4 stars; one submission).

Submission:

Labcorp Genetics (formerly Invitae), Labcorp
Classification: Pathogenic. Last evaluated: 2023-11-08. Review status: criteria provided, single submitter. Criteria: Invitae Variant Classification Sherloc (09022015). Collection method: clinical testing. Allele origin: germline.
Comment: This sequence change creates a premature translational stop signal (p.Cys626Serfs*17) in the FRAS1 gene. It is expected to result in an absent or disrupted protein product. Loss-of-function variants in FRAS1 are known to be pathogenic (PMID: 12766769, 18671281). This variant is present in population databases (rs768627742, gnomAD 0.003%). This variant has not been reported in the literature in individuals affected with FRAS1-related conditions. For these reasons, this variant has been classified as Pathogenic.

Literature cited by the submitters: PubMed 12766769; PubMed 18671281.

NM_025074.7(FRAS1):c.1877_1893del (p.Cys626fs)

Gene: FRAS1 (Fraser extracellular matrix complex subunit 1; plus strand). Cytogenetic location: 4q21.21.
Variant type: Deletion.
Coding change: c.1877_1893del on transcript NM_025074.7 (MANE Select); coding-DNA positions 1877 to 1893, 17 bases deleted (GCAGCCCCCCCAAGGCT).
Protein change: p.Cys626fs; shifts the reading frame from cysteine 626.
Molecular consequence: frameshift variant.
Genome position (GRCh38, 1-based): chr4:78,317,425-78,317,441, GCAGCCCCCCCAAGGCT deleted; deleting any 17 consecutive bases within chr4:78,317,423-78,317,441 gives the same sequence; the c. name uses the placement nearest the transcript's 3' end. VCF-style (leftmost placement, unchanged base first): chr4-78317422-CCTGCAGCCCCCCCAAGG-C. GRCh37 (hg19) VCF-style: chr4-79238576-CCTGCAGCCCCCCCAAGG-C.
Other names: c.1877_1893del, p.Cys626fs (NM_001166133.2); short protein forms C626fs.
Identifiers: ClinVar variation 2801928 (VCV002801928.3), dbSNP rs768627742, ClinGen allele CA2976465.
Genomic context (GRCh38, chr4:78,317,422, plus strand): 5'-CCTCAGTTTGTCATAACTCATGTGCCAGCTGCTCTGGGCCCACACCCTCTCACTGTACAG[CCTGCAGCCCCCCCAAGG>C]CTCTGCGTCAAGGCCACTGTCTGCCCCGCTGTGGAGAGGGTTTCTACTCTGACCATGGAG-3'